The following is an entry in ClinVar:

NM_147127.5(EVC2):c.2210G>A (p.Arg737Lys)

Gene: EVC2 (EvC ciliary complex subunit 2; minus strand). Cytogenetic location: 4p16.2.
Variant type: single nucleotide variant.
Coding change: c.2210G>A on transcript NM_147127.5 (MANE Select); coding-DNA position 2210, G replaced by A.
Protein change: p.Arg737Lys; replaces arginine 737 with lysine.
Molecular consequence: missense variant.
Genome position (GRCh38, 1-based): chr4:5,622,828, C>T on the plus strand (G>A on the coding strand, the complement: EVC2 is on the minus strand). VCF-style: chr4-5622828-C-T. GRCh37 (hg19) VCF-style: chr4-5624555-C-T.
Other names: c.1970G>A, p.Arg657Lys (NM_001166136.2); short protein forms R657K, R737K.
Identifiers: ClinVar variation 2152892 (VCV002152892.1), dbSNP rs1480925109, ClinGen allele CA356145037.

ClinVar aggregate classification (germline): Uncertain significance (1 of 4 stars; one submission).

Conditions:
Ellis-van Creveld syndrome (EVC). Also called: MESOECTODERMAL DYSPLASIA; Chondroectodermal dysplasia; EVC-Related Ellis-van Creveld Syndrome; EVC2-Related Ellis-van Creveld Syndrome. Identifiers: Orphanet 289, MedGen C0013903, MONDO:0009162, OMIM 225500.
Curry-Hall syndrome (WAD). Also called: WEYERS ACRODENTAL DYSOSTOSIS. Identifiers: Orphanet 952, MedGen C0457013, MONDO:0008673, OMIM 193530.

Allele frequency attached by ClinVar (database versions not stated): gnomAD 0.00001; gnomAD exomes 0.00001.
gnomAD v4.1: 15 of 1,613,950 alleles (0.00093%); highest among the groups gnomAD compares: African/African-American, 0.0013%; no homozygotes.

Submission:

Labcorp Genetics (formerly Invitae), Labcorp
Classification: Uncertain significance for Curry-Hall syndrome; Ellis-van Creveld syndrome. Last evaluated: 2022-03-07. Review status: criteria provided, single submitter. Criteria: Invitae Variant Classification Sherloc (09022015). Collection method: clinical testing. Allele origin: germline.
Comment: This sequence change replaces arginine, which is basic and polar, with lysine, which is basic and polar, at codon 737 of the EVC2 protein (p.Arg737Lys). This variant is present in population databases (no rsID available, gnomAD 0.0009%). This variant has not been reported in the literature in individuals affected with EVC2-related conditions. Algorithms developed to predict the effect of missense changes on protein structure and function output the following: SIFT: "Tolerated"; PolyPhen-2: "Probably Damaging"; Align-GVGD: "Class C0". The lysine amino acid residue is found in multiple mammalian species, which suggests that this missense change does not adversely affect protein function. In summary, the available evidence is currently insufficient to determine the role of this variant in disease. Therefore, it has been classified as a Variant of Uncertain Significance.